The following is an entry in ClinVar:

ClinVar aggregate classification (germline): Likely benign. Review status: criteria provided, single submitter (1 of 4 stars). 2 submissions from 2 submitters: Likely benign (1). 1 of the submissions does not count toward it. Last evaluated 2018-07-25.

Conditions:
PRR12-related disorder. Also called: PRR12-related condition.

Allele frequency attached by ClinVar (database versions not stated): ExAC 0.00001; gnomAD exomes 0.00002 and 0.00007; gnomAD 0.00003; TOPMed 0.00005.
gnomAD v4.1: 109 of 1,611,016 alleles (0.0068%); highest among the groups gnomAD compares: Non-Finnish European, 0.0088%; no homozygotes.

Submissions (2):

Labcorp Genetics (formerly Invitae), Labcorp
Classification: Likely benign. Last evaluated: 2018-07-25. Review status: criteria provided, single submitter. Criteria: Invitae Variant Classification Sherloc (09022015). Collection method: clinical testing. Allele origin: germline.

PreventionGenetics, part of Exact Sciences
Classification: Likely benign for PRR12-related condition. Last evaluated: 2019-05-08. Review status: no assertion criteria provided. Collection method: clinical testing. Allele origin: germline. Not counted in ClinVar's aggregate classification.
Comment: This variant is classified as likely benign based on ACMG/AMP sequence variant interpretation guidelines (Richards et al. 2015 PMID: 25741868, with internal and published modifications).

NM_020719.3(PRR12):c.2109C>T (p.Val703=)

Gene: PRR12 (proline rich 12; plus strand). Cytogenetic location: 19q13.33.
Variant type: single nucleotide variant.
Coding change: c.2109C>T on transcript NM_020719.3 (MANE Select); coding-DNA position 2109, C replaced by T.
Protein change: p.Val703=; no amino-acid change (valine 703 retained).
Molecular consequence: synonymous variant.
Genome position (GRCh38, 1-based): chr19:49,596,444, C>T. VCF-style: chr19-49596444-C-T. GRCh37 (hg19) VCF-style: chr19-50099701-C-T.
Identifiers: ClinVar variation 736502 (VCV000736502.5), dbSNP rs765988941, ClinGen allele CA9578020.